The following is an entry in ClinVar:

ClinVar aggregate classification (germline): Uncertain significance. Review status: criteria provided, multiple submitters, no conflicts (2 of 4 stars). 2 submissions from 2 submitters: Uncertain significance (2). Last evaluated 2025-04-28.

Conditions:
Hereditary cancer-predisposing syndrome. Also called: Hereditary neoplastic syndrome; Neoplastic Syndromes, Hereditary; Tumor predisposition; Hereditary Cancer Syndrome. Identifiers: Orphanet 140162, MedGen C0027672, MeSH D009386, MONDO:0015356.
DICER1-related tumor predisposition. Also called: DICER1-related pleuropulmonary blastoma cancer predisposition syndrome; DICER1 syndrome. Identifiers: Orphanet 284343, MedGen C3839822, MONDO:0100216.

Allele frequency attached by ClinVar (database versions not stated): gnomAD exomes below 0.00001.

Submissions (2):

Ambry Genetics
Classification: Uncertain significance for Hereditary cancer-predisposing syndrome. Last evaluated: 2025-04-28. Review status: criteria provided, single submitter. Criteria: Ambry Variant Classification Scheme 2023. Collection method: clinical testing. Allele origin: germline.
Comment: The p.M150L variant (also known as c.448A>T), located in coding exon 4 of the DICER1 gene, results from an A to T substitution at nucleotide position 448. The methionine at codon 150 is replaced by leucine, an amino acid with highly similar properties. This amino acid position is highly conserved in available vertebrate species. In addition, the in silico prediction for this alteration is inconclusive. Based on the available evidence, the clinical significance of this variant remains unclear.

Labcorp Genetics (formerly Invitae), Labcorp
Classification: Uncertain significance for DICER1-related tumor predisposition. Last evaluated: 2023-11-24. Review status: criteria provided, single submitter. Criteria: Invitae Variant Classification Sherloc (09022015). Collection method: clinical testing. Allele origin: germline.
Comment: This sequence change replaces methionine, which is neutral and non-polar, with leucine, which is neutral and non-polar, at codon 150 of the DICER1 protein (p.Met150Leu). This variant is present in population databases (no rsID available, gnomAD 0.0009%). This variant has not been reported in the literature in individuals affected with DICER1-related conditions. ClinVar contains an entry for this variant (Variation ID: 483465). Advanced modeling of protein sequence and biophysical properties (such as structural, functional, and spatial information, amino acid conservation, physicochemical variation, residue mobility, and thermodynamic stability) performed at Invitae indicates that this missense variant is not expected to disrupt DICER1 protein function with a negative predictive value of 80%. In summary, the available evidence is currently insufficient to determine the role of this variant in disease. Therefore, it has been classified as a Variant of Uncertain Significance.

NM_177438.3(DICER1):c.448A>T (p.Met150Leu)

Gene: DICER1 (dicer 1, ribonuclease III; minus strand). Cytogenetic location: 14q32.13.
Variant type: single nucleotide variant.
Coding change: c.448A>T on transcript NM_177438.3 (MANE Select); coding-DNA position 448, A replaced by T.
Protein change: p.Met150Leu; replaces methionine 150 with leucine.
Molecular consequence: missense variant.
Genome position (GRCh38, 1-based): chr14:95,130,183, T>A on the plus strand (A>T on the coding strand, the complement: DICER1 is on the minus strand). VCF-style: chr14-95130183-T-A. GRCh37 (hg19) VCF-style: chr14-95596520-T-A.
Other names: c.448A>T, p.Met150Leu (NM_001195573.1, NM_001271282.3, NM_001291628.2 and 1 more transcripts); short protein forms M150L.
Identifiers: ClinVar variation 483465 (VCV000483465.16), dbSNP rs1447817443, ClinGen allele CA390888598.